The following is an entry in ClinVar:

ClinVar aggregate classification (germline): Uncertain significance. Review status: criteria provided, multiple submitters, no conflicts (2 of 4 stars). 4 submissions from 4 submitters: Uncertain significance (4). Last evaluated 2025-12-05.

Conditions:
Schizencephaly. Identifiers: Orphanet 799, MedGen C0266484, MONDO:0010011, OMIM 269160, HP:0010636.
Holoprosencephaly 2 (HPE2). Identifiers: Orphanet 2162, MedGen C1834877, MONDO:0007999, OMIM 157170.
Intellectual disability. Also called: intellectual disabilities; Intellectual developmental disorder; Intellectual functioning disability. Identifiers: MedGen C3714756, MeSH D008607, MONDO:0001071, HP:0001249.

Allele frequency attached by ClinVar (database versions not stated): ExAC 0.00008; gnomAD exomes 0.00010 and 0.00023; TOPMed 0.00012; gnomAD 0.00016 and 0.00017.
gnomAD v4.1: 346 of 1,583,932 alleles (0.022%); highest among the groups gnomAD compares: Non-Finnish European, 0.028%; no homozygotes.

Submissions (4):

Labcorp Genetics (formerly Invitae), Labcorp
Classification: Uncertain significance for Holoprosencephaly 2. Last evaluated: 2025-12-05. Review status: criteria provided, single submitter. Criteria: Invitae Variant Classification Sherloc (09022015). Collection method: clinical testing. Allele origin: germline.
Comment: This sequence change replaces glycine, which is neutral and non-polar, with aspartic acid, which is acidic and polar, at codon 69 of the SIX3 protein (p.Gly69Asp). This variant is present in population databases (rs121917881, gnomAD 0.02%). This missense change has been observed in individual(s) with holoprosencephaly (HPE), although in one individual a clearly pathogenic variant was also observed suggesting the p.Gly69Asp missense was not the primary cause of disease (PMID: 17001667, 18791198). ClinVar contains an entry for this variant (Variation ID: 487087). Invitae Evidence Modeling of protein sequence and biophysical properties (such as structural, functional, and spatial information, amino acid conservation, physicochemical variation, residue mobility, and thermodynamic stability) indicates that this missense variant is not expected to disrupt SIX3 protein function with a negative predictive value of 80%. In summary, the available evidence is currently insufficient to determine the role of this variant in disease. Therefore, it has been classified as a Variant of Uncertain Significance.

Women's Health and Genetics/Laboratory Corporation of America, LabCorp
Classification: Uncertain significance. Last evaluated: 2025-10-23. Review status: criteria provided, single submitter. Criteria: LabCorp Variant Classification Summary - May 2015. Collection method: clinical testing. Allele origin: germline.
Comment: Variant summary: SIX3 c.206G>A (p.Gly69Asp) results in a non-conservative amino acid change in the encoded protein sequence. Algorithms developed to predict the effect of missense changes on protein structure and function are either unavailable or do not agree on the potential impact of this missense change. The variant allele was found at a frequency of 0.0001 in 208576 control chromosomes. This frequency is not significantly higher than estimated for disease-causing variants in SIX3, allowing no conclusion about variant significance. c.206G>A has been observed in multiple individual(s) however in 1 family a co-occurring frameshift was also detected in both the affected proband with alobar holoprosencephaly as well as the unaffected elder adults (Lacbawan_2009, Domene_2008). These report(s) do not provide unequivocal conclusions about association of the variant with SIX3-Related Disorders. Co-occurrences with other pathogenic variant(s) have been reported (SIX3 c.406dupGC, p.Ala136Glyfs*18), providing supporting evidence for a benign role. At least one publication reports experimental evidence evaluating an impact on protein function. These results showed no damaging effect of this variant in a zebrafish model (Domene_2008). The following publications have been ascertained in the context of this evaluation (PMID: 34421500, 19346217, 18791198, 17001667, 17001700). ClinVar contains an entry for this variant (Variation ID: 487087). Based on the evidence outlined above, the variant was classified as uncertain significance.

Fulgent Genetics
Classification: Uncertain significance for Holoprosencephaly 2; Schizencephaly. Last evaluated: 2021-09-15. Review status: criteria provided, single submitter. Criteria: ACMG Guidelines, 2015. Collection method: clinical testing. Allele origin: unknown.

Cambridge Genomics Laboratory, East Genomic Laboratory Hub, NHS Genomic Medicine Service
Classification: Uncertain significance for Intellectual disability. Last evaluated: 2019-08-28. Review status: criteria provided, single submitter. Criteria: ACGS Best Practice Guidelines for Variant Classification in Rare Disease 2020. Collection method: clinical testing. Allele origin: germline. Affected: yes. Observed: 1 variant allele.

Literature cited by the submitters: PubMed 17001667 (cited by Labcorp Genetics (formerly Invitae), Labcorp and Women's Health and Genetics/Laboratory Corporation of America, LabCorp); PubMed 18791198 (cited by Labcorp Genetics (formerly Invitae), Labcorp and Women's Health and Genetics/Laboratory Corporation of America, LabCorp); PubMed 19346217 (cited by Women's Health and Genetics/Laboratory Corporation of America, LabCorp); PubMed 34421500 (cited by Women's Health and Genetics/Laboratory Corporation of America, LabCorp); PubMed 17001700 (cited by Women's Health and Genetics/Laboratory Corporation of America, LabCorp).

NM_005413.4(SIX3):c.206G>A (p.Gly69Asp)

Gene: SIX3 (SIX homeobox 3; plus strand). Cytogenetic location: 2p21.
Variant type: single nucleotide variant.
Coding change: c.206G>A on transcript NM_005413.4 (MANE Select); coding-DNA position 206, G replaced by A.
Protein change: p.Gly69Asp; replaces glycine 69 with aspartic acid.
Molecular consequence: missense variant.
Genome position (GRCh38, 1-based): chr2:44,942,310, G>A. VCF-style: chr2-44942310-G-A. GRCh37 (hg19) VCF-style: chr2-45169449-G-A.
Other names: short protein forms G69D.
Identifiers: ClinVar variation 487087 (VCV000487087.10), dbSNP rs121917881, ClinGen allele CA253772.